The following is an entry in ClinVar:

NM_152305.3(POGLUT1):c.26T>A (p.Leu9His)

Gene: POGLUT1 (protein O-glucosyltransferase 1; plus strand). Cytogenetic location: 3q13.33.
Variant type: single nucleotide variant.
Coding change: c.26T>A on transcript NM_152305.3 (MANE Select); coding-DNA position 26, T replaced by A.
Protein change: p.Leu9His; replaces leucine 9 with histidine.
Molecular consequence: missense variant. On other transcripts: non-coding transcript variant (1).
Genome position (GRCh38, 1-based): chr3:119,469,047, T>A. VCF-style: chr3-119469047-T-A. GRCh37 (hg19) VCF-style: chr3-119187894-T-A.
Other names: p.Leu9His; short protein forms L9H.
Identifiers: ClinVar variation 4540907 (VCV004540907.1).

ClinVar aggregate classification (germline): Uncertain significance (1 of 4 stars; one submission).

Submission:

Mayo Clinic Laboratories, Mayo Clinic
Classification: Uncertain significance. Last evaluated: 2025-06-26. Review status: criteria provided, single submitter. Criteria: ACMG Guidelines, 2015. Collection method: clinical testing. Allele origin: germline. Observed: 1 variant allele.
Comment: BP4